The following is an entry in ClinVar:

ClinVar aggregate classification (germline): Uncertain significance (1 of 4 stars; one submission).

Submission:

Labcorp Genetics (formerly Invitae), Labcorp
Classification: Uncertain significance. Last evaluated: 2024-11-03. Review status: criteria provided, single submitter. Criteria: Invitae Variant Classification Sherloc (09022015). Collection method: clinical testing. Allele origin: germline.
Comment: This sequence change replaces proline, which is neutral and non-polar, with arginine, which is basic and polar, at codon 1259 of the PLEKHG2 protein (p.Pro1259Arg). This variant is not present in population databases (gnomAD no frequency). This variant has not been reported in the literature in individuals affected with PLEKHG2-related conditions. An algorithm developed to predict the effect of missense changes on protein structure and function (PolyPhen-2) suggests that this variant is likely to be tolerated. In summary, the available evidence is currently insufficient to determine the role of this variant in disease. Therefore, it has been classified as a Variant of Uncertain Significance.

NM_022835.3(PLEKHG2):c.3776C>G (p.Pro1259Arg)

Gene: PLEKHG2 (pleckstrin homology and RhoGEF domain containing G2; plus strand). Cytogenetic location: 19q13.2.
Variant type: single nucleotide variant.
Coding change: c.3776C>G on transcript NM_022835.3 (MANE Select); coding-DNA position 3776, C replaced by G.
Protein change: p.Pro1259Arg; replaces proline 1259 with arginine.
Molecular consequence: missense variant. On other transcripts: intron variant (2).
Genome position (GRCh38, 1-based): chr19:39,424,909, C>G. VCF-style: chr19-39424909-C-G. GRCh37 (hg19) VCF-style: chr19-39915549-C-G.
Other names: c.1678-329C>G (NM_001351694.2); c.3572+27C>G (NM_001351693.2); short protein forms P1259R.
Identifiers: ClinVar variation 3724570 (VCV003724570.2).